The following is an entry in ClinVar:

NM_000051.4(ATM):c.4332_4385dup (p.Val1464_Leu1465insSerLeuLeuLeuLysAspIleLysSerGlyLeuGlyGlyAlaTrpAlaPheVal)

Gene: ATM (ATM serine/threonine kinase; plus strand). Cytogenetic location: 11q22.3.
Variant type: Duplication.
Coding change: c.4332_4385dup on transcript NM_000051.4 (MANE Select); coding-DNA positions 4332 to 4385, 54 bases duplicated.
Protein change: p.Val1464_Leu1465insSerLeuLeuLeuLysAspIleLysSerGlyLeuGlyGlyAlaTrpAlaPheVal.
Genome position (GRCh38, 1-based): chr11:108,289,697-108,289,750, 54 bases duplicated. GRCh37 (hg19): chr11:108,160,424-108,160,477.
Other names: c.4332_4385dup, p.Val1464_Leu1465insSerLeuLeuLeuLysAspIleLysSerGlyLeuGlyGlyAlaTrpAlaPheVal (NM_001351834.2).
Identifiers: ClinVar variation 3644735 (VCV003644735.2).

ClinVar aggregate classification (germline): Uncertain significance (1 of 4 stars; one submission).

Conditions:
Ataxia-telangiectasia syndrome (AT). Also called: ATAXIA-TELANGIECTASIA, COMPLEMENTATION GROUP A; ATAXIA-TELANGIECTASIA, FRESNO VARIANT; LOUIS-BAR SYNDROME; Ataxia-telangiectasia, complementation group D; Ataxia-telangiectasia, complementation group E; Cerebello-oculocutaneous telangiectasia. Identifiers: Orphanet 100, MedGen C0004135, MONDO:0008840, OMIM 208900.

Submission:

Labcorp Genetics (formerly Invitae), Labcorp
Classification: Uncertain significance for Ataxia-telangiectasia syndrome. Last evaluated: 2024-03-06. Review status: criteria provided, single submitter. Criteria: Invitae Variant Classification Sherloc (09022015). Collection method: clinical testing. Allele origin: germline.
Comment: This variant, c.4332_4385dup, results in the insertion of 18 amino acid(s) of the ATM protein (p.Ser1447_Val1464dup), but otherwise preserves the integrity of the reading frame. This variant is not present in population databases (gnomAD no frequency). This variant has not been reported in the literature in individuals affected with ATM-related conditions. In summary, the available evidence is currently insufficient to determine the role of this variant in disease. Therefore, it has been classified as a Variant of Uncertain Significance.